The following is an entry in ClinVar:

ClinVar aggregate classification (germline): Uncertain significance (0 of 4 stars; one submission).

Conditions:
LAMA1-related disorder. Also called: LAMA1-related disorders; LAMA1-related condition.

gnomAD v4.1: 2 of 1,614,176 alleles (0.00012%); highest among the groups gnomAD compares: South Asian, 0.0022%; no homozygotes.

Submission:

PreventionGenetics, part of Exact Sciences
Classification: Uncertain significance for LAMA1-related condition. Last evaluated: 2024-07-29. Review status: no assertion criteria provided. Collection method: clinical testing. Allele origin: germline.
Comment: The LAMA1 c.8578T>G variant is predicted to result in the amino acid substitution p.Cys2860Gly. To our knowledge, this variant has not been reported in the literature. This variant is reported in 0.0033% of alleles in individuals of South Asian descent in gnomAD. At this time, the clinical significance of this variant is uncertain due to the absence of conclusive functional and genetic evidence.

NM_005559.4(LAMA1):c.8578T>G (p.Cys2860Gly)

Gene: LAMA1 (laminin subunit alpha 1; minus strand). Cytogenetic location: 18p11.31.
Variant type: single nucleotide variant.
Coding change: c.8578T>G on transcript NM_005559.4 (MANE Select); coding-DNA position 8578, T replaced by G.
Protein change: p.Cys2860Gly; replaces cysteine 2860 with glycine.
Molecular consequence: missense variant.
Genome position (GRCh38, 1-based): chr18:6,948,535, A>C on the plus strand (T>G on the coding strand, the complement: LAMA1 is on the minus strand). VCF-style: chr18-6948535-A-C. GRCh37 (hg19) VCF-style: chr18-6948534-A-C.
Other names: short protein forms C2860G.
Identifiers: ClinVar variation 3346512 (VCV003346512.1).